The following is an entry in ClinVar:

ClinVar aggregate classification (germline): Uncertain significance (1 of 4 stars; one submission).

Conditions:
Megaconial type congenital muscular dystrophy (MDCMC). Also called: MUSCULAR DYSTROPHY, CONGENITAL, WITH MITOCHONDRIAL STRUCTURAL ABNORMALITIES; CHKB-Related Muscular Dystrophy; CHKB-Related Muscle Diseases. Identifiers: Orphanet 280671, MedGen C1865233, MONDO:0011246, OMIM 602541.

Allele frequency attached by ClinVar (database versions not stated): TOPMed 0.00004; gnomAD 0.00009.

Submission:

Labcorp Genetics (formerly Invitae), Labcorp
Classification: Uncertain significance for Megaconial type congenital muscular dystrophy. Last evaluated: 2024-11-11. Review status: criteria provided, single submitter. Criteria: Invitae Variant Classification Sherloc (09022015). Collection method: clinical testing. Allele origin: germline.
Comment: This sequence change replaces glutamic acid, which is acidic and polar, with glutamine, which is neutral and polar, at codon 324 of the CHKB protein (p.Glu324Gln). This variant is present in population databases (no rsID available, gnomAD 0.004%). This variant has not been reported in the literature in individuals affected with CHKB-related conditions. ClinVar contains an entry for this variant (Variation ID: 575646). Invitae Evidence Modeling of protein sequence and biophysical properties (such as structural, functional, and spatial information, amino acid conservation, physicochemical variation, residue mobility, and thermodynamic stability) indicates that this missense variant is not expected to disrupt CHKB protein function with a negative predictive value of 80%. In summary, the available evidence is currently insufficient to determine the role of this variant in disease. Therefore, it has been classified as a Variant of Uncertain Significance.

NM_005198.5(CHKB):c.970G>C (p.Glu324Gln)

Genes: CHKB (choline kinase beta; minus strand), CHKB-CPT1B (CHKB-CPT1B readthrough (NMD candidate); minus strand). Cytogenetic location: 22q13.33.
Variant type: single nucleotide variant.
Coding change: c.970G>C on transcript NM_005198.5 (MANE Select); coding-DNA position 970, G replaced by C.
Protein change: p.Glu324Gln; replaces glutamic acid 324 with glutamine.
Molecular consequence: missense variant. On other transcripts: non-coding transcript variant (1).
Genome position (GRCh38, 1-based): chr22:50,579,788, C>G on the plus strand (G>C on the coding strand, the complement: CHKB is on the minus strand). VCF-style: chr22-50579788-C-G. GRCh37 (hg19) VCF-style: chr22-51018217-C-G.
Other names: short protein forms E324Q.
Identifiers: ClinVar variation 575646 (VCV000575646.8), dbSNP rs771047317, ClinGen allele CA412195194.